The following is an entry in ClinVar:

ClinVar aggregate classification (germline): Likely pathogenic (1 of 4 stars; one submission).

Conditions:
Glutamate pyruvate transaminase 2 deficiency (NEDSPM). Also called: Neurodevelopmental disorder with microcephaly and spastic paraplegia. Identifiers: Orphanet 477673, MedGen C4225388, MONDO:0014567, OMIM 616281.

Submission:

Laboratory of Medical Genetics, National & Kapodistrian University of Athens
Classification: Likely pathogenic for Glutamate pyruvate transaminase 2 deficiency. Last evaluated: 2023-05-17. Review status: criteria provided, single submitter. Criteria: ACMG Guidelines, 2015. Collection method: clinical testing. Allele origin: germline. Affected: yes.
Comment: PVS1, PM2

NM_133443.4(GPT2):c.924_925del (p.Pro309fs)

Genes: GPT2 (glutamic--pyruvic transaminase 2; plus strand), LOC130058930 (ATAC-STARR-seq lymphoblastoid active region 10781; plus strand). Cytogenetic location: 16q11.2.
Variant type: Microsatellite.
Coding change: c.924_925del on transcript NM_133443.4 (MANE Select); coding-DNA positions 924 to 925, 2 bases deleted (TC; older notation c.924_925delTC).
Protein change: p.Pro309fs; shifts the reading frame from proline 309.
Molecular consequence: frameshift variant.
Genome position (GRCh38, 1-based): chr16:46,918,644-46,918,645, TC deleted; deleting any 2 consecutive bases within chr16:46,918,641-46,918,645 gives the same sequence; the c. name uses the placement nearest the transcript's 3' end. VCF-style (leftmost placement, unchanged base first): chr16-46918640-ACT-A. GRCh37 (hg19) VCF-style: chr16-46952552-ACT-A.
Other names: c.624_625del, p.Pro209fs (NM_001142466.3); short protein forms P209fs, P309fs.
Identifiers: ClinVar variation 2572611 (VCV002572611.1), dbSNP rs2548982827, ClinGen allele CA2580613473.